The following is an entry in ClinVar:

NM_000083.3(CLCN1):c.774+146T>C

Gene: CLCN1 (chloride voltage-gated channel 1; plus strand). Cytogenetic location: 7q34.
Variant type: single nucleotide variant.
Coding change: c.774+146T>C on transcript NM_000083.3 (MANE Select); 146 bases into the intron after coding-DNA position 774, T replaced by C.
Molecular consequence: intron variant.
Genome position (GRCh38, 1-based): chr7:143,323,532, T>C. VCF-style: chr7-143323532-T-C. GRCh37 (hg19) VCF-style: chr7-143020625-T-C.
Identifiers: ClinVar variation 679151 (VCV000679151.2), dbSNP rs2272257, ClinGen allele CA4537089.

ClinVar aggregate classification (germline): Benign. Review status: criteria provided, multiple submitters, no conflicts (2 of 4 stars). 2 submissions from 2 submitters: Benign (2). Last evaluated 2018-06-14.

Allele frequency attached by ClinVar (database versions not stated): 1000 Genomes Project 0.19169; gnomAD exomes 0.19371 and 0.20412; gnomAD 0.22634 and 0.23123; TOPMed 0.22984; ExAC 0.24555.
gnomAD v4.1: 152,019 of 725,332 alleles (21%); highest among the groups gnomAD compares: Middle Eastern, 29%; 17,177 homozygotes.

Submissions (2):

GeneDx
Classification: Benign. Last evaluated: 2018-06-14. Review status: criteria provided, single submitter. Criteria: GeneDx Variant Classification (06012015). Collection method: clinical testing. Allele origin: germline. Affected: yes.
Comment: This variant is considered likely benign or benign based on one or more of the following criteria: it is a conservative change, it occurs at a poorly conserved position in the protein, it is predicted to be benign by multiple in silico algorithms, and/or has population frequency not consistent with disease.

Breakthrough Genomics
Classification: Benign. Review status: criteria provided, single submitter. Criteria: ACMG Guidelines, 2015. Collection method: not provided. Allele origin: germline. Inheritance: Autosomal recessive inheritance. Affected: yes.